The following is an entry in ClinVar:

NM_001366845.3(ZNF106):c.4803G>C (p.Leu1601=)

Gene: ZNF106 (zinc finger protein 106; minus strand). Cytogenetic location: 15q15.1.
Variant type: single nucleotide variant.
Coding change: c.4803G>C on transcript NM_001366845.3 (MANE Select); coding-DNA position 4803, G replaced by C.
Protein change: p.Leu1601=; no amino-acid change (leucine 1601 retained).
Molecular consequence: synonymous variant. On other transcripts: intron variant (1).
Genome position (GRCh38, 1-based): chr15:42,435,462, C>G on the plus strand (G>C on the coding strand, the complement: ZNF106 is on the minus strand). VCF-style: chr15-42435462-C-G. GRCh37 (hg19) VCF-style: chr15-42727660-C-G.
Other names: c.2289G>C, p.Leu763= (NM_001284306.2); c.2418G>C, p.Leu806= (NM_001284307.4); c.2157G>C, p.Leu719= (NM_001366844.3, NM_001381998.1); c.4542G>C, p.Leu1514= (NM_001366846.3); c.4602G>C, p.Leu1534= (NM_001381993.1); c.2619G>C, p.Leu873= (NM_001381994.1); c.2436G>C, p.Leu812= (NM_001381995.1); c.1941G>C, p.Leu647= (NM_001381997.1); and 2 more.
Identifiers: ClinVar variation 2645238 (VCV002645238.24), dbSNP rs141371905, ClinGen allele CA7512241.

ClinVar aggregate classification (germline): Likely benign (1 of 4 stars; one submission).

Allele frequency attached by ClinVar (database versions not stated): 1000 Genomes Project 0.00100; 1000 Genomes Project 30x 0.00172; TOPMed 0.00264; gnomAD 0.00271; ExAC 0.00314; ESP Exome Variant Server 0.00400.
gnomAD v4.1: 6,328 of 1,614,142 alleles (0.39%); highest among the groups gnomAD compares: Non-Finnish European, 0.47%; 16 homozygotes.

Submission:

CeGaT Center for Human Genetics Tuebingen
Classification: Likely benign. Last evaluated: 2022-09-01. Review status: criteria provided, single submitter. Criteria: CeGaT Center For Human Genetics Tuebingen Variant Classification Criteria Version 2. Collection method: clinical testing. Allele origin: germline. Affected: yes. Observed: 1 variant allele.
Comment: ZNF106: BS2